The following is an entry in ClinVar:

NM_006440.5(TXNRD2):c.905G>A (p.Gly302Asp)

Gene: TXNRD2 (thioredoxin reductase 2; minus strand). Cytogenetic location: 22q11.21.
Variant type: single nucleotide variant.
Coding change: c.905G>A on transcript NM_006440.5 (MANE Select); coding-DNA position 905, G replaced by A.
Protein change: p.Gly302Asp; replaces glycine 302 with aspartic acid.
Molecular consequence: missense variant. On other transcripts: non-coding transcript variant (1).
Genome position (GRCh38, 1-based): chr22:19,895,451, C>T on the plus strand (G>A on the coding strand, the complement: TXNRD2 is on the minus strand). VCF-style: chr22-19895451-C-T. GRCh37 (hg19) VCF-style: chr22-19882974-C-T.
Other names: c.905G>A, p.Gly302Asp (NM_001282512.3); c.902G>A, p.Gly301Asp (NM_001352300.2); c.815G>A, p.Gly272Asp (NM_001352301.2); c.617G>A, p.Gly206Asp (NM_001352302.2); c.809G>A, p.Gly270Asp (NM_001352303.2); short protein forms G206D, G270D, G272D, G301D, G302D.
Identifiers: ClinVar variation 1318959 (VCV001318959.6), dbSNP rs757519340, ClinGen allele CA10103948.

ClinVar aggregate classification (germline): Uncertain significance. Review status: criteria provided, multiple submitters, no conflicts (2 of 4 stars). 2 submissions from 2 submitters: Uncertain significance (2). Last evaluated 2025-06-12.

Conditions:
Primary dilated cardiomyopathy (DCM). Also called: Dilated Cardiomyopathy. Identifiers: Orphanet 217604, MedGen C0007193, MeSH D002311, MONDO:0005021, HP:0001644. Inheritance: Various modes of inheritance.

Allele frequency attached by ClinVar (database versions not stated): gnomAD 0.00001; TOPMed 0.00002; gnomAD exomes 0.00001; ExAC 0.00002.
gnomAD v4.1: 11 of 1,613,854 alleles (0.00068%); highest among the groups gnomAD compares: African/African-American, 0.012%; no homozygotes.

Submissions (2):

Labcorp Genetics (formerly Invitae), Labcorp
Classification: Uncertain significance for Primary dilated cardiomyopathy. Last evaluated: 2025-06-12. Review status: criteria provided, single submitter. Criteria: Invitae Variant Classification Sherloc (09022015). Collection method: clinical testing. Allele origin: germline.
Comment: This sequence change replaces glycine, which is neutral and non-polar, with aspartic acid, which is acidic and polar, at codon 302 of the TXNRD2 protein (p.Gly302Asp). This variant is present in population databases (rs757519340, gnomAD 0.01%). This variant has not been reported in the literature in individuals affected with TXNRD2-related conditions. ClinVar contains an entry for this variant (Variation ID: 1318959). Invitae Evidence Modeling of protein sequence and biophysical properties (such as structural, functional, and spatial information, amino acid conservation, physicochemical variation, residue mobility, and thermodynamic stability) indicates that this missense variant is not expected to disrupt TXNRD2 protein function with a negative predictive value of 80%. In summary, the available evidence is currently insufficient to determine the role of this variant in disease. Therefore, it has been classified as a Variant of Uncertain Significance.

GeneDx
Classification: Uncertain significance. Last evaluated: 2018-12-17. Review status: criteria provided, single submitter. Criteria: GeneDx Variant Classification Process June 2021. Collection method: clinical testing. Allele origin: germline. Affected: yes.
Comment: Not observed at a significant frequency in large population cohorts (Lek et al., 2016); In silico analysis, which includes protein predictors and evolutionary conservation, supports a deleterious effect; Has not been previously published as pathogenic or benign to our knowledge